The following is an entry in ClinVar:

NM_001123385.2(BCOR):c.4647_4649del (p.Leu1550del)

Gene: BCOR (BCL6 corepressor; minus strand). Cytogenetic location: Xp11.4.
Variant type: Deletion.
Coding change: c.4647_4649del on transcript NM_001123385.2 (MANE Select); coding-DNA positions 4647 to 4649, 3 bases deleted (TCT; older notation c.4647_4649delTCT).
Protein change: p.Leu1550del; deletes leucine 1550.
Genome position (GRCh38, 1-based): chrX:40,055,460-40,055,462, AGA deleted on the plus strand (TCT on the coding strand, the reverse complement: BCOR is on the minus strand); deleting any 3 consecutive bases within chrX:40,055,460-40,055,464 gives the same sequence; the c. name uses the placement nearest the transcript's 3' end. VCF-style (leftmost placement, unchanged base first): chrX-40055459-GAGA-G. GRCh37 (hg19) VCF-style: chrX-39914712-GAGA-G.
Other names: c.4545_4547del, p.Leu1516del (NM_001123383.2, NM_001438208.1, NM_017745.6); c.4491_4493del, p.Leu1498del (NM_001123384.2); c.4647_4649del, p.Leu1550del (NM_001437510.1, NM_001437511.1); c.4593_4595del, p.Leu1532del (NM_001438207.1); short protein forms L1498del, L1516del, L1532del, L1550del.
Identifiers: ClinVar variation 4530155 (VCV004530155.1).

ClinVar aggregate classification (somatic clinical impact): Tier II - Potential (1 of 4 stars; one submission).

Conditions:
IDH-wildtype glioblastoma. Identifiers: MedGen CN372125, MONDO:0850335.

Submission:

Institute for Genomic Medicine (IGM) Clinical Laboratory, Nationwide Children's Hospital
Classification: Tier II - Potential for IDH-wildtype glioblastoma. Assertion type: diagnostic. Clinical significance: supports diagnosis. Last evaluated: 2023-01-09. Review status: criteria provided, single submitter. Criteria: AMP/ASCO/CAP Guidelines, 2017. Collection method: clinical testing. Allele origin: somatic. Affected: yes.
Comment: Variant has Tier II (potential) clinical significance as a diagnostic inclusion criterion in IDH-wildtype glioblastoma, based on the following evidence: 1) Documented in one or more cancer databases (e.g., St. Jude Pecan, COSMIC, CIViC, OncoKB). 2) Diagnostic significance based on multiple small studies (Evidence Level C; PMID: 28966033).

Literature cited by the submitters: PubMed 28966033.